The following is an entry in ClinVar:

NM_001378454.1(ALMS1):c.2954C>T (p.Pro985Leu)

Gene: ALMS1 (ALMS1 centrosome and basal body associated protein; plus strand). Cytogenetic location: 2p13.1.
Variant type: single nucleotide variant.
Coding change: c.2954C>T on transcript NM_001378454.1 (MANE Select); coding-DNA position 2954, C replaced by T.
Protein change: p.Pro985Leu; replaces proline 985 with leucine.
Molecular consequence: missense variant.
Genome position (GRCh38, 1-based): chr2:73,449,481, C>T. VCF-style: chr2-73449481-C-T. GRCh37 (hg19) VCF-style: chr2-73676608-C-T.
Other names: c.2957C>T, p.Pro986Leu (NM_015120.4); short protein forms P985L, P986L.
Identifiers: ClinVar variation 2183156 (VCV002183156.1), dbSNP rs1279677430, ClinGen allele CA347273210.
Genomic context (GRCh38, chr2:73,449,481, plus strand): 5'-ACCAGCAAGAGTTGCCAGACAGTGATCTACCTAGAGAATCTCTGAAAATGTCTGCTATTC[C>T]TGGACTGACTGACCAGAAGACTGTCCCAACACCAACAGTACCTTCAGGTTCCTTCTCACA-3'
Protein context (NP_001365383.1, residues 975-995): PRESLKMSAI[Pro985Leu]GLTDQKTVPT

ClinVar aggregate classification (germline): Uncertain significance (1 of 4 stars; one submission).

Conditions:
Alstrom syndrome (ALMS). Identifiers: Orphanet 64, MedGen C0268425, MONDO:0008763, OMIM 203800.

Allele frequency attached by ClinVar (database versions not stated): gnomAD exomes 0.00001.
gnomAD v4.1: 6 of 1,614,054 alleles (0.00037%); highest among the groups gnomAD compares: Non-Finnish European, 0.00051%; no homozygotes.

Submission:

Labcorp Genetics (formerly Invitae), Labcorp
Classification: Uncertain significance for Alstrom syndrome. Last evaluated: 2022-07-19. Review status: criteria provided, single submitter. Criteria: Invitae Variant Classification Sherloc (09022015). Collection method: clinical testing. Allele origin: germline.
Comment: This sequence change replaces proline, which is neutral and non-polar, with leucine, which is neutral and non-polar, at codon 986 of the ALMS1 protein (p.Pro986Leu). This variant is not present in population databases (gnomAD no frequency). This variant has not been reported in the literature in individuals affected with ALMS1-related conditions. Experimental studies and prediction algorithms are not available or were not evaluated, and the functional significance of this variant is currently unknown. In summary, the available evidence is currently insufficient to determine the role of this variant in disease. Therefore, it has been classified as a Variant of Uncertain Significance.